The following is an entry in ClinVar:

ClinVar aggregate classification (germline): Benign (0 of 4 stars; one submission).

Conditions:
SATL1-related disorder. Also called: SATL1-related condition.

Allele frequency attached by ClinVar (database versions not stated): gnomAD exomes 0.00080; ExAC 0.00248; gnomAD 0.00716; ESP Exome Variant Server 0.00719; 1000 Genomes Project 0.00821; TOPMed 0.00854.
gnomAD v4.1: 1,752 of 1,210,757 alleles (0.14%); highest among the groups gnomAD compares: African/African-American, 2.3%; 12 homozygotes.

Submission:

PreventionGenetics, part of Exact Sciences
Classification: Benign for SATL1-related condition. Last evaluated: 2019-11-07. Review status: no assertion criteria provided. Collection method: clinical testing. Allele origin: germline.
Comment: This variant is classified as benign based on ACMG/AMP sequence variant interpretation guidelines (Richards et al. 2015 PMID: 25741868, with internal and published modifications).

NM_001367857.2(SATL1):c.1325G>A (p.Trp442Ter)

Gene: SATL1 (spermidine/spermine N1-acetyl transferase like 1; minus strand). Cytogenetic location: Xq21.1.
Variant type: single nucleotide variant.
Coding change: c.1325G>A on transcript NM_001367857.2 (MANE Select); coding-DNA position 1325, G replaced by A.
Protein change: p.Trp442Ter; replaces tryptophan 442 with a stop codon.
Molecular consequence: nonsense.
Genome position (GRCh38, 1-based): chrX:85,107,644, C>T on the plus strand (G>A on the coding strand, the complement: SATL1 is on the minus strand). VCF-style: chrX-85107644-C-T. GRCh37 (hg19) VCF-style: chrX-84362650-C-T.
Other names: c.1325G>A, p.Trp442Ter (NM_001012980.2, NM_001367858.2); short protein forms W442*.
Identifiers: ClinVar variation 3044194 (VCV003044194.2), dbSNP rs151117430, ClinGen allele CA10464357.